The following is an entry in ClinVar:

NM_001429.4(EP300):c.4172+5_4172+7delinsAT

Gene: EP300 (E1A binding protein p300; plus strand). Cytogenetic location: 22q13.2.
Variant type: Indel.
Coding change: c.4172+5_4172+7delinsAT on transcript NM_001429.4 (MANE Select); bases 5 to 7 of the intron after coding-DNA position 4172, GAC replaced by AT.
Molecular consequence: intron variant.
Genome position (GRCh38, 1-based): chr22:41,168,872-41,168,874, GAC replaced by AT. VCF-style: chr22-41168872-GAC-AT. GRCh37 (hg19) VCF-style: chr22-41564876-GAC-AT.
Other names: c.4094+5_4094+7delinsAT (NM_001362843.2).
Identifiers: ClinVar variation 1300482 (VCV001300482.3), dbSNP rs2145763996, ClinGen allele CA2573055020.

ClinVar aggregate classification (germline): Uncertain significance (1 of 4 stars; one submission).

Submission:

GeneDx
Classification: Uncertain significance. Last evaluated: 2022-05-31. Review status: criteria provided, single submitter. Criteria: GeneDx Variant Classification Process June 2021. Collection method: clinical testing. Allele origin: germline. Affected: yes.
Comment: Not observed at significant frequency in large population cohorts (gnomAD); Has not been previously published as pathogenic or benign to our knowledge; In-silico analysis is inconclusive as to whether the variant alters gene splicing. In the absence of RNA/functional studies, the actual effect of this sequence change is unknown.